The following is an entry in ClinVar:

ClinVar aggregate classification (germline): Uncertain significance (1 of 4 stars; one submission).

Conditions:
Hereditary cancer-predisposing syndrome. Also called: Hereditary Cancer Syndrome; Hereditary neoplastic syndrome; Tumor predisposition; Neoplastic Syndromes, Hereditary. Identifiers: Orphanet 140162, MedGen C0027672, MeSH D009386, MONDO:0015356.

Submission:

Ambry Genetics
Classification: Uncertain significance for Hereditary cancer-predisposing syndrome. Last evaluated: 2024-10-30. Review status: criteria provided, single submitter. Criteria: Ambry Variant Classification Scheme 2023. Collection method: clinical testing. Allele origin: germline.
Comment: The p.G952E variant (also known as c.2855G>A), located in coding exon 17 of the ALK gene, results from a G to A substitution at nucleotide position 2855. The glycine at codon 952 is replaced by glutamic acid, an amino acid with similar properties. This amino acid position is conserved. In addition, this alteration is predicted to be deleterious by in silico analysis. Based on the available evidence, the clinical significance of this variant remains unclear.

NM_004304.5(ALK):c.2855G>A (p.Gly952Glu)

Gene: ALK (ALK receptor tyrosine kinase; minus strand). Cytogenetic location: 2p23.2.
Variant type: single nucleotide variant.
Coding change: c.2855G>A on transcript NM_004304.5 (MANE Select); coding-DNA position 2855, G replaced by A.
Protein change: p.Gly952Glu; replaces glycine 952 with glutamic acid.
Molecular consequence: missense variant.
Genome position (GRCh38, 1-based): chr2:29,227,633, C>T on the plus strand (G>A on the coding strand, the complement: ALK is on the minus strand). VCF-style: chr2-29227633-C-T. GRCh37 (hg19) VCF-style: chr2-29450499-C-T.
Other names: short protein forms G952E.
Identifiers: ClinVar variation 3525078 (VCV003525078.1).